The following is an entry in ClinVar:

NM_024598.4(USB1):c.58G>A (p.Asp20Asn)

Gene: USB1 (U6 snRNA biogenesis phosphodiesterase 1; plus strand). Cytogenetic location: 16q21.
Variant type: single nucleotide variant.
Coding change: c.58G>A on transcript NM_024598.4 (MANE Select); coding-DNA position 58, G replaced by A.
Protein change: p.Asp20Asn; replaces aspartic acid 20 with asparagine.
Molecular consequence: missense variant. On other transcripts: intron variant (1).
Genome position (GRCh38, 1-based): chr16:58,001,541, G>A. VCF-style: chr16-58001541-G-A. GRCh37 (hg19) VCF-style: chr16-58035445-G-A.
Other names: c.58G>A, p.Asp20Asn (NM_001195302.2, NM_001204911.2, NM_001330569.2); c.-55-938G>A (NM_001330568.2); c.58G>A (NM_024598.3); short protein forms D20N.
Identifiers: ClinVar variation 1481653 (VCV001481653.4), dbSNP rs1227473466, ClinGen allele CA396085204.

ClinVar aggregate classification (germline): Uncertain significance. Review status: criteria provided, multiple submitters, no conflicts (2 of 4 stars). 2 submissions from 2 submitters: Uncertain significance (2). Last evaluated 2024-12-12.

Conditions:
Inborn genetic diseases. Identifiers: MedGen C0950123, MeSH D030342.

Allele frequency attached by ClinVar (database versions not stated): TOPMed 0.00001; gnomAD 0.00001.
gnomAD v4.1: 2 of 1,609,644 alleles (0.00012%); highest among the groups gnomAD compares: Non-Finnish European, 0.00017%; no homozygotes.

Submissions (2):

Ambry Genetics
Classification: Uncertain significance for Inborn genetic diseases. Last evaluated: 2024-12-12. Review status: criteria provided, single submitter. Criteria: Ambry Variant Classification Scheme 2023. Collection method: clinical testing. Allele origin: germline.
Comment: The p.D20N variant (also known as c.58G>A), located in coding exon 1 of the USB1 gene, results from a G to A substitution at nucleotide position 58. The aspartic acid at codon 20 is replaced by asparagine, an amino acid with highly similar properties. This amino acid position is conserved. In addition, this alteration is predicted to be tolerated by in silico analysis. Based on the available evidence, the clinical significance of this variant remains unclear.

Labcorp Genetics (formerly Invitae), Labcorp
Classification: Uncertain significance. Last evaluated: 2022-10-17. Review status: criteria provided, single submitter. Criteria: Invitae Variant Classification Sherloc (09022015). Collection method: clinical testing. Allele origin: germline.
Comment: This sequence change replaces aspartic acid with asparagine at codon 20 of the USB1 protein (p.Asp20Asn). The aspartic acid residue is weakly conserved and there is a small physicochemical difference between aspartic acid and asparagine. This variant is present in population databases (no rsID available, gnomAD 0.007%). This variant has not been reported in the literature in individuals affected with USB1-related conditions. ClinVar contains an entry for this variant (Variation ID: 1481653). Advanced modeling of protein sequence and biophysical properties (such as structural, functional, and spatial information, amino acid conservation, physicochemical variation, residue mobility, and thermodynamic stability) performed at Invitae indicates that this missense variant is not expected to disrupt USB1 protein function. In summary, the available evidence is currently insufficient to determine the role of this variant in disease. Therefore, it has been classified as a Variant of Uncertain Significance.